The following is an entry in ClinVar:

ClinVar aggregate classification (germline): Uncertain significance. Review status: criteria provided, multiple submitters, no conflicts (2 of 4 stars). 2 submissions from 2 submitters: Uncertain significance (2). Last evaluated 2025-11-26.

Conditions:
Inborn genetic diseases. Identifiers: MedGen C0950123, MeSH D030342.

Allele frequency attached by ClinVar (database versions not stated): gnomAD 0.00001.
gnomAD v4.1: 7 of 1,593,032 alleles (0.00044%); highest among the groups gnomAD compares: Non-Finnish European, 0.0006%; no homozygotes.

Submissions (2):

Ambry Genetics
Classification: Uncertain significance for Inborn genetic diseases. Last evaluated: 2025-11-26. Review status: criteria provided, single submitter. Criteria: Ambry Variant Classification Scheme 2023. Collection method: clinical testing. Allele origin: germline.

Labcorp Genetics (formerly Invitae), Labcorp
Classification: Uncertain significance. Last evaluated: 2023-06-17. Review status: criteria provided, single submitter. Criteria: Invitae Variant Classification Sherloc (09022015). Collection method: clinical testing. Allele origin: germline.
Comment: This variant is present in population databases (no rsID available, gnomAD 0.007%). In summary, the available evidence is currently insufficient to determine the role of this variant in disease. Therefore, it has been classified as a Variant of Uncertain Significance. An algorithm developed to predict the effect of missense changes on protein structure and function (PolyPhen-2) suggests that this variant is likely to be tolerated. ClinVar contains an entry for this variant (Variation ID: 2104575). This variant has not been reported in the literature in individuals affected with BCL11B-related conditions. This sequence change replaces proline, which is neutral and non-polar, with leucine, which is neutral and non-polar, at codon 574 of the BCL11B protein (p.Pro574Leu).

NM_138576.4(BCL11B):c.1721C>T (p.Pro574Leu)

Gene: BCL11B (BCL11 transcription factor B; minus strand). Cytogenetic location: 14q32.2.
Variant type: single nucleotide variant.
Coding change: c.1721C>T on transcript NM_138576.4 (MANE Select); coding-DNA position 1721, C replaced by T.
Protein change: p.Pro574Leu; replaces proline 574 with leucine.
Molecular consequence: missense variant.
Genome position (GRCh38, 1-based): chr14:99,175,115, G>A on the plus strand (C>T on the coding strand, the complement: BCL11B is on the minus strand). VCF-style: chr14-99175115-G-A. GRCh37 (hg19) VCF-style: chr14-99641452-G-A.
Other names: c.1718C>T, p.Pro573Leu (NM_001282237.2); c.1505C>T, p.Pro502Leu (NM_001282238.2); c.1508C>T, p.Pro503Leu (NM_022898.3); c.1721C>T (NM_138576.2); short protein forms P573L, P502L, P574L, P503L.
Identifiers: ClinVar variation 2104575 (VCV002104575.5), dbSNP rs1272283481, ClinGen allele CA390934740.
Genomic context (GRCh38, chr14:99,175,115, plus strand): 5'-ACCAGCGCCTTCTCGTCAGCCAGCGCCTTGGCCGCGCCGCCCCCCGCGCCCGGGACCCCG[G>A]GCACCCCACCACCGCCGTTCTCGCGGTTGCGGCTCAGCTCCGAGTCCATGCTGAAGCTCG-3'
Protein context (NP_612808.1, residues 564-584): RNRENGGGGV[Pro574Leu]GVPGAGGGAA